The following is an entry in ClinVar:

ClinVar aggregate classification (germline): Uncertain significance (1 of 4 stars; one submission).

Conditions:
Ornithine aminotransferase deficiency (GACR). Also called: Ornithine ketoacid aminotransferase deficiency; Gyrate atrophy; Gyrate atrophy of choroid and retina; Girate atrophy of the retina; HYPERORNITHINEMIA WITH GYRATE ATROPHY OF CHOROID AND RETINA; OAT DEFICIENCY. Identifiers: Orphanet 414, MedGen C0018425, MONDO:0009796, OMIM 258870.

Allele frequency attached by ClinVar (database versions not stated): gnomAD exomes 0.00001; ExAC 0.00003.
gnomAD v4.1: 19 of 1,606,438 alleles (0.0012%); highest among the groups gnomAD compares: South Asian, 0.018%; 1 homozygote.

Submission:

Labcorp Genetics (formerly Invitae), Labcorp
Classification: Uncertain significance for Ornithine aminotransferase deficiency. Last evaluated: 2022-01-17. Review status: criteria provided, single submitter. Criteria: Invitae Variant Classification Sherloc (09022015). Collection method: clinical testing. Allele origin: germline.
Comment: This sequence change affects codon 338 of the OAT mRNA. It is a 'silent' change, meaning that it does not change the encoded amino acid sequence of the OAT protein. This variant also falls at the last nucleotide of exon 8, which is part of the consensus splice site for this exon. This variant is present in population databases (rs762633186, gnomAD 0.02%). This variant has not been reported in the literature in individuals affected with OAT-related conditions. Variants that disrupt the consensus splice site are a relatively common cause of aberrant splicing (PMID: 17576681, 9536098). Algorithms developed to predict the effect of sequence changes on RNA splicing suggest that this variant may disrupt the consensus splice site. In summary, the available evidence is currently insufficient to determine the role of this variant in disease. Therefore, it has been classified as a Variant of Uncertain Significance.

Literature cited by the submitters: PubMed 17576681; PubMed 9536098.

NM_000274.4(OAT):c.1014G>A (p.Glu338=)

Gene: OAT (ornithine aminotransferase; minus strand). Cytogenetic location: 10q26.13.
Variant type: single nucleotide variant.
Coding change: c.1014G>A on transcript NM_000274.4 (MANE Select); coding-DNA position 1014, G replaced by A.
Protein change: p.Glu338=; no amino-acid change (glutamic acid 338 retained).
Molecular consequence: synonymous variant.
Genome position (GRCh38, 1-based): chr10:124,401,726, C>T on the plus strand (G>A on the coding strand, the complement: OAT is on the minus strand). VCF-style: chr10-124401726-C-T. GRCh37 (hg19) VCF-style: chr10-126090295-C-T.
Other names: c.600G>A, p.Glu200= (NM_001171814.2); c.1014G>A, p.Glu338= (NM_001322965.2, NM_001322966.2, NM_001322967.2 and 3 more transcripts); c.693G>A, p.Glu231= (NM_001322971.2); c.414G>A, p.Glu138= (NM_001322974.2).
Identifiers: ClinVar variation 2185672 (VCV002185672.1), dbSNP rs762633186, ClinGen allele CA5733363.